The following is an entry in ClinVar:

ClinVar aggregate classification (germline): Uncertain significance (1 of 4 stars; one submission).

Submission:

Greenwood Genetic Center Diagnostic Laboratories, Greenwood Genetic Center
Classification: Uncertain significance. Last evaluated: 2024-09-18. Review status: criteria provided, single submitter. Criteria: ACMG Guidelines, 2015. Collection method: clinical testing. Allele origin: germline. Affected: yes.
Comment: PM2

NM_003238.6(TGFB2):c.347-215_456dup

Gene: TGFB2 (transforming growth factor beta 2; plus strand). Cytogenetic location: 1q41.
Variant type: Duplication.
Coding change: c.347-215_456dup on transcript NM_003238.6 (MANE Select); 215 bases into the intron before coding-DNA position 347 through coding-DNA position 456, 325 bases duplicated.
Molecular consequence: splice acceptor variant.
Genome position (GRCh38, 1-based): chr1:218,404,954-218,405,278, 325 bases duplicated. GRCh37 (hg19): chr1:218,578,296-218,578,620.
Other names: c.431-215_540dup (NM_001135599.4).
Identifiers: ClinVar variation 3765650 (VCV003765650.1).